The following is an entry in ClinVar:

ClinVar aggregate classification (germline): Likely pathogenic (1 of 4 stars; one submission).

Submission:

Mayo Clinic Laboratories, Mayo Clinic
Classification: Likely pathogenic. Last evaluated: 2022-09-02. Review status: criteria provided, single submitter. Criteria: ACMG Guidelines, 2015. Collection method: clinical testing. Allele origin: germline. Observed: 1 variant allele.
Comment: PM2, PVS1

NM_001042492.3(NF1):c.4812_4814delinsA (p.Ile1605fs)

Gene: NF1 (neurofibromin 1; plus strand). Cytogenetic location: 17q11.2.
Variant type: Indel.
Coding change: c.4812_4814delinsA on transcript NM_001042492.3 (MANE Select); coding-DNA positions 4812 to 4814, TAT replaced by A.
Protein change: p.Ile1605fs; shifts the reading frame from isoleucine 1605.
Molecular consequence: frameshift variant.
Genome position (GRCh38, 1-based): chr17:31,265,316-31,265,318, TAT replaced by A. VCF-style: chr17-31265316-TAT-A. GRCh37 (hg19) VCF-style: chr17-29592334-TAT-A.
Other names: p.Ile1584Phefs*16; c.4749_4751delTATinsA, p.Ile1584Phefs (NM_000267.4); short protein forms I1584fs, I1605fs.
Identifiers: ClinVar variation 2682667 (VCV002682667.1), dbSNP rs2508445662, ClinGen allele CA2697559540.